The following is an entry in ClinVar:

ClinVar aggregate classification (germline): Pathogenic. Review status: criteria provided, multiple submitters, no conflicts (2 of 4 stars). 2 submissions from 2 submitters: Pathogenic (2). Last evaluated 2026-03-13.

Conditions:
RPE65-related recessive retinopathy. Also called: Recessive RPE65 retinopathy. Identifiers: MedGen CN305526, MONDO:0100368.
Retinitis pigmentosa 20 (RP20). Identifiers: Orphanet 791, MedGen C3151086, MONDO:0013425, OMIM 613794.
Leber congenital amaurosis 2 (LCA2). Also called: Autosomal Recessive RPE65-Related Retinal Degeneration; AMAUROSIS CONGENITA OF LEBER II. Identifiers: Orphanet 65, MedGen C1859844, MONDO:0008765, OMIM 204100. Disease mechanism: loss of function.

Submissions (2):

Myriad Genetics, Inc.
Classification: Pathogenic for RPE65-related recessive retinopathy. Last evaluated: 2026-03-13. Review status: criteria provided, single submitter. Criteria: Myriad Autosomal Dominant, Autosomal Recessive and X-Linked Classification Criteria (2023). Collection method: clinical testing. Allele origin: unknown.
Comment: NM_000329.2(RPE65):c.985delT(C329Afs*15) is expected to be pathogenic in the context of inherited retinal dystrophy, RPE65-related. This variant is predicted to lead to an abnormal or absent protein product due to the creation of a premature termination codon in RPE65, a gene where loss-of-function variants are known to be pathogenic. Please note: this variant was assessed in the context of healthy population screening.

Labcorp Genetics (formerly Invitae), Labcorp
Classification: Pathogenic for Leber congenital amaurosis 2; Retinitis pigmentosa 20. Last evaluated: 2022-03-28. Review status: criteria provided, single submitter. Criteria: Invitae Variant Classification Sherloc (09022015). Collection method: clinical testing. Allele origin: germline.
Comment: This sequence change creates a premature translational stop signal (p.Cys329Alafs*15) in the RPE65 gene. It is expected to result in an absent or disrupted protein product. Loss-of-function variants in RPE65 are known to be pathogenic (PMID: 9326941, 9501220, 9843205, 18632300). This variant is not present in population databases (gnomAD no frequency). This variant has not been reported in the literature in individuals affected with RPE65-related conditions. For these reasons, this variant has been classified as Pathogenic.

Literature cited by the submitters: PubMed 9326941 (cited by Labcorp Genetics (formerly Invitae), Labcorp); PubMed 9501220 (cited by Labcorp Genetics (formerly Invitae), Labcorp); PubMed 9843205 (cited by Labcorp Genetics (formerly Invitae), Labcorp); PubMed 18632300 (cited by Labcorp Genetics (formerly Invitae), Labcorp).

NM_000329.3(RPE65):c.985del (p.Cys329fs)

Gene: RPE65 (retinoid isomerohydrolase RPE65; minus strand). Cytogenetic location: 1p31.3.
Variant type: Deletion.
Coding change: c.985del on transcript NM_000329.3 (MANE Select); coding-DNA position 985, one base deleted (T; older notation c.985delT).
Protein change: p.Cys329fs; shifts the reading frame from cysteine 329.
Molecular consequence: frameshift variant.
Genome position (GRCh38, 1-based): chr1:68,438,955, A deleted on the plus strand (T on the coding strand, the reverse complement: RPE65 is on the minus strand). VCF-style (leftmost placement, unchanged base first): chr1-68438954-CA-C. GRCh37 (hg19) VCF-style: chr1-68904637-CA-C.
Other names: c.877delT, p.Cys293Alafs (NM_001406853.1); c.709delT, p.Cys237Alafs (NM_001406856.1, NM_001406857.1); c.985delT, p.Cys329Alafs (NM_001406859.1); short protein forms C329fs.
Identifiers: ClinVar variation 2079800 (VCV002079800.5), dbSNP rs2523424941, ClinGen allele CA2580063211.